The following is an entry in ClinVar:

ClinVar aggregate classification (germline): Uncertain significance. Review status: criteria provided, multiple submitters, no conflicts (2 of 4 stars). 2 submissions from 2 submitters: Uncertain significance (2). Last evaluated 2024-01-14.

Conditions:
Inborn genetic diseases. Identifiers: MedGen C0950123, MeSH D030342.

Allele frequency attached by ClinVar (database versions not stated): ExAC 0.00001; gnomAD 0.00001; gnomAD exomes 0.00001; TOPMed 0.00001.
gnomAD v4.1: 6 of 1,607,122 alleles (0.00037%); highest among the groups gnomAD compares: Non-Finnish European, 0.00051%; no homozygotes.

Submissions (2):

Labcorp Genetics (formerly Invitae), Labcorp
Classification: Uncertain significance. Last evaluated: 2024-01-14. Review status: criteria provided, single submitter. Criteria: Invitae Variant Classification Sherloc (09022015). Collection method: clinical testing. Allele origin: germline.
Comment: This sequence change replaces serine, which is neutral and polar, with threonine, which is neutral and polar, at codon 12 of the RHBDF2 protein (p.Ser12Thr). The frequency data for this variant in the population databases is considered unreliable, as metrics indicate poor data quality at this position in the gnomAD database. This variant has not been reported in the literature in individuals affected with RHBDF2-related conditions. An algorithm developed to predict the effect of missense changes on protein structure and function (PolyPhen-2) suggests that this variant is likely to be tolerated. In summary, the available evidence is currently insufficient to determine the role of this variant in disease. Therefore, it has been classified as a Variant of Uncertain Significance.

Ambry Genetics
Classification: Uncertain significance for Inborn genetic diseases. Last evaluated: 2023-10-05. Review status: criteria provided, single submitter. Criteria: Ambry Variant Classification Scheme 2023. Collection method: clinical testing. Allele origin: germline.

NM_001005498.4(RHBDF2):c.34T>A (p.Ser12Thr)

Gene: RHBDF2 (rhomboid 5 homolog 2; minus strand). Cytogenetic location: 17q25.1.
Variant type: single nucleotide variant.
Coding change: c.34T>A on transcript NM_001005498.4 (MANE Select); coding-DNA position 34, T replaced by A.
Protein change: p.Ser12Thr; replaces serine 12 with threonine.
Molecular consequence: missense variant. On other transcripts: non-coding transcript variant (3).
Genome position (GRCh38, 1-based): chr17:76,481,491, A>T on the plus strand (T>A on the coding strand, the complement: RHBDF2 is on the minus strand). VCF-style: chr17-76481491-A-T. GRCh37 (hg19) VCF-style: chr17-74477573-A-T.
Other names: c.34T>A, p.Ser12Thr (NM_001376228.1, NM_001376229.1, NM_001376230.1 and 1 more transcripts); short protein forms S12T.
Identifiers: ClinVar variation 2723722 (VCV002723722.4), dbSNP rs771249417, ClinGen allele CA8787517.